The following is an entry in ClinVar:

ClinVar aggregate classification (germline): Conflicting classifications of pathogenicity. Review status: criteria provided, conflicting classifications (1 of 4 stars). 2 submissions from 2 submitters: Uncertain significance (1); Likely benign (1). Last evaluated 2025-09-05.

Conditions:
Neuroblastoma, susceptibility to, 3. Also called: ALK-Related Neuroblastic Tumor Susceptibility. Identifiers: Orphanet 635, MedGen C2751681, MONDO:0013083, OMIM 613014.
Hereditary cancer-predisposing syndrome. Also called: Tumor predisposition; Hereditary neoplastic syndrome; Hereditary Cancer Syndrome; Neoplastic Syndromes, Hereditary. Identifiers: Orphanet 140162, MedGen C0027672, MeSH D009386, MONDO:0015356.

gnomAD v4.1: 1 of 1,613,964 alleles (0.000062%); highest among the groups gnomAD compares: African/African-American, 0.0013%; no homozygotes.

Submissions (2):

Ambry Genetics
Classification: Likely benign for Hereditary cancer-predisposing syndrome. Last evaluated: 2025-09-05. Review status: criteria provided, single submitter. Criteria: Ambry Variant Classification Scheme 2023. Collection method: clinical testing. Allele origin: germline.

Labcorp Genetics (formerly Invitae), Labcorp
Classification: Uncertain significance for Neuroblastoma, susceptibility to, 3. Last evaluated: 2025-03-19. Review status: criteria provided, single submitter. Criteria: Invitae Variant Classification Sherloc (09022015). Collection method: clinical testing. Allele origin: germline.
Comment: This sequence change replaces asparagine, which is neutral and polar, with lysine, which is basic and polar, at codon 1140 of the ALK protein (p.Asn1140Lys). This variant is not present in population databases (gnomAD no frequency). This variant has not been reported in the literature in individuals affected with ALK-related conditions. ClinVar contains an entry for this variant (Variation ID: 1446175). An algorithm developed to predict the effect of missense changes on protein structure and function (PolyPhen-2) suggests that this variant is likely to be tolerated. In summary, the available evidence is currently insufficient to determine the role of this variant in disease. Therefore, it has been classified as a Variant of Uncertain Significance.

NM_004304.5(ALK):c.3420C>A (p.Asn1140Lys)

Gene: ALK (ALK receptor tyrosine kinase; minus strand). Cytogenetic location: 2p23.2.
Variant type: single nucleotide variant.
Coding change: c.3420C>A on transcript NM_004304.5 (MANE Select); coding-DNA position 3420, C replaced by A.
Protein change: p.Asn1140Lys; replaces asparagine 1140 with lysine.
Molecular consequence: missense variant.
Genome position (GRCh38, 1-based): chr2:29,222,547, G>T on the plus strand (C>A on the coding strand, the complement: ALK is on the minus strand). VCF-style: chr2-29222547-G-T. GRCh37 (hg19) VCF-style: chr2-29445413-G-T.
Other names: c.3420C>A (NM_004304.4); c.216C>A, p.Asn72Lys (NM_001353765.2); short protein forms N1140K, N72K.
Identifiers: ClinVar variation 1446175 (VCV001446175.7), dbSNP rs150785816, ClinGen allele CA346463783.